The following is an entry in ClinVar:

NM_000060.4:c.1096_1097dup

Variant type: Duplication.
Other names: c.1096_1097dup (NM_000060.4).
Identifiers: ClinVar variation 4815935 (VCV004815935.1).

ClinVar aggregate classification (germline): Likely pathogenic (1 of 4 stars; one submission).

Conditions:
Biotinidase deficiency. Also called: BTD deficiency; Late-onset biotin-responsive multiple carboxylase deficiency; Biotin deficiency. Identifiers: Orphanet 79241, MedGen C0220754, MONDO:0009665, OMIM 253260.

Submission:

Natera, Inc.
Classification: Likely pathogenic for Biotinidase deficiency. Last evaluated: 2024-08-05. Review status: criteria provided, single submitter. Criteria: Natera Variant Classification Schema (03/2026). Collection method: clinical testing. Allele origin: germline.
Comment: The c.1096_1097dup variant in BTD is a frameshift variant predicted to shift the reading frame beginning at codon 367 and leads to a stop codon 23 codons downstream. This variant is expected to result in nonsense mediated decay, truncation, or a dysfunctional protein product. This variant is rare in the general population with a frequency below the threshold expected for the associated phenotype(s). Given the available evidence, this variant is classified as Likely Pathogenic.